The following is an entry in ClinVar:

NM_152416.4(NDUFAF6):c.458T>C (p.Met153Thr)

Gene: NDUFAF6 (NADH:ubiquinone oxidoreductase complex assembly factor 6; plus strand). Cytogenetic location: 8q22.1.
Variant type: single nucleotide variant.
Coding change: c.458T>C on transcript NM_152416.4 (MANE Select); coding-DNA position 458, T replaced by C.
Protein change: p.Met153Thr; replaces methionine 153 with threonine.
Molecular consequence: missense variant. On other transcripts: initiator codon variant (10), non-coding transcript variant (6).
Genome position (GRCh38, 1-based): chr8:95,041,607, T>C. VCF-style: chr8-95041607-T-C. GRCh37 (hg19) VCF-style: chr8-96053835-T-C.
Other names: c.458T>C (NM_152416.2); c.182T>C, p.Met61Thr (NM_001330582.2, NM_001354514.2, NM_001354515.2 and 1 more transcripts); c.302T>C, p.Met101Thr (NM_001354516.2); c.125T>C, p.Met42Thr (NM_001354517.2, NM_001354518.2, NM_001354519.2 and 1 more transcripts); c.2T>C, p.Met1Thr (NM_001354522.2, NM_001354524.2, NM_001354525.2 and 7 more transcripts); short protein forms M153T, M61T, M101T, M1T, M42T.
Identifiers: ClinVar variation 1422018 (VCV001422018.7), dbSNP rs765194083, ClinGen allele CA4814797.

ClinVar aggregate classification (germline): Uncertain significance. Review status: criteria provided, multiple submitters, no conflicts (2 of 4 stars). 2 submissions from 2 submitters: Uncertain significance (2). Last evaluated 2025-01-06.

Conditions:
Inborn genetic diseases. Identifiers: MedGen C0950123, MeSH D030342.

Allele frequency attached by ClinVar (database versions not stated): ExAC 0.00002; gnomAD exomes 0.00002 and 0.00005; gnomAD 0.00005 and 0.00006; TOPMed 0.00007.

Submissions (2):

Labcorp Genetics (formerly Invitae), Labcorp
Classification: Uncertain significance. Last evaluated: 2025-01-06. Review status: criteria provided, single submitter. Criteria: Invitae Variant Classification Sherloc (09022015). Collection method: clinical testing. Allele origin: germline.
Comment: This sequence change replaces methionine, which is neutral and non-polar, with threonine, which is neutral and polar, at codon 153 of the NDUFAF6 protein (p.Met153Thr). This variant is present in population databases (rs765194083, gnomAD 0.03%). This variant has not been reported in the literature in individuals affected with NDUFAF6-related conditions. ClinVar contains an entry for this variant (Variation ID: 1422018). Invitae Evidence Modeling of protein sequence and biophysical properties (such as structural, functional, and spatial information, amino acid conservation, physicochemical variation, residue mobility, and thermodynamic stability) indicates that this missense variant is not expected to disrupt NDUFAF6 protein function with a negative predictive value of 80%. In summary, the available evidence is currently insufficient to determine the role of this variant in disease. Therefore, it has been classified as a Variant of Uncertain Significance.

Ambry Genetics
Classification: Uncertain significance for Inborn genetic diseases. Last evaluated: 2022-10-03. Review status: criteria provided, single submitter. Criteria: Ambry Variant Classification Scheme 2023. Collection method: clinical testing. Allele origin: germline.